The following is an entry in ClinVar:

NM_144701.3(IL23R):c.166A>G (p.Ile56Val)

Gene: IL23R (interleukin 23 receptor; plus strand). Cytogenetic location: 1p31.3.
Variant type: single nucleotide variant.
Coding change: c.166A>G on transcript NM_144701.3 (MANE Select); coding-DNA position 166, A replaced by G.
Protein change: p.Ile56Val; replaces isoleucine 56 with valine.
Molecular consequence: missense variant.
Genome position (GRCh38, 1-based): chr1:67,169,437, A>G. VCF-style: chr1-67169437-A-G. GRCh37 (hg19) VCF-style: chr1-67635120-A-G.
Other names: short protein forms I56V.
Identifiers: ClinVar variation 3686850 (VCV003686850.2).

ClinVar aggregate classification (germline): Uncertain significance (1 of 4 stars; one submission).

gnomAD v4.1: 5 of 1,613,698 alleles (0.00031%); highest among the groups gnomAD compares: Middle Eastern, 0.016%; no homozygotes.

Submission:

Labcorp Genetics (formerly Invitae), Labcorp
Classification: Uncertain significance. Last evaluated: 2024-11-11. Review status: criteria provided, single submitter. Criteria: Invitae Variant Classification Sherloc (09022015). Collection method: clinical testing. Allele origin: germline.
Comment: This sequence change replaces isoleucine, which is neutral and non-polar, with valine, which is neutral and non-polar, at codon 56 of the IL23R protein (p.Ile56Val). This variant is not present in population databases (gnomAD no frequency). This variant has not been reported in the literature in individuals affected with IL23R-related conditions. An algorithm developed to predict the effect of missense changes on protein structure and function (PolyPhen-2) suggests that this variant is likely to be tolerated. In summary, the available evidence is currently insufficient to determine the role of this variant in disease. Therefore, it has been classified as a Variant of Uncertain Significance.